The following is an entry in ClinVar:

NM_020774.4(MIB1):c.2095G>A (p.Gly699Arg)

Gene: MIB1 (MIB E3 ubiquitin protein ligase 1; plus strand). Cytogenetic location: 18q11.2.
Variant type: single nucleotide variant.
Coding change: c.2095G>A on transcript NM_020774.4 (MANE Select); coding-DNA position 2095, G replaced by A.
Protein change: p.Gly699Arg; replaces glycine 699 with arginine.
Molecular consequence: missense variant.
Genome position (GRCh38, 1-based): chr18:21,844,137, G>A. VCF-style: chr18-21844137-G-A. GRCh37 (hg19) VCF-style: chr18-19424098-G-A.
Other names: short protein forms G699R.
Identifiers: ClinVar variation 4860025 (VCV004860025.1).

ClinVar aggregate classification (germline): Uncertain significance (1 of 4 stars; one submission).

Conditions:
Inborn genetic diseases. Identifiers: MedGen C0950123, MeSH D030342.

gnomAD v4.1: 1 of 1,614,002 alleles (0.000062%); highest among the groups gnomAD compares: South Asian, 0.0011%; no homozygotes.

Submission:

Ambry Genetics
Classification: Uncertain significance for Inborn genetic diseases. Last evaluated: 2026-04-11. Review status: criteria provided, single submitter. Criteria: Ambry Variant Classification Scheme 2023. Collection method: clinical testing. Allele origin: germline.
Comment: The p.G699R variant (also known as c.2095G>A), located in coding exon 15 of the MIB1 gene, results from a G to A substitution at nucleotide position 2095. The glycine at codon 699 is replaced by arginine, an amino acid with dissimilar properties. This amino acid position is conserved. In addition, this alteration is predicted to be deleterious by in silico analysis. Based on the available evidence, the clinical significance of this variant remains unclear.